The following is an entry in ClinVar:

NM_025074.7(FRAS1):c.3124G>A (p.Ala1042Thr)

Gene: FRAS1 (Fraser extracellular matrix complex subunit 1; plus strand). Cytogenetic location: 4q21.21.
Variant type: single nucleotide variant.
Coding change: c.3124G>A on transcript NM_025074.7 (MANE Select); coding-DNA position 3124, G replaced by A.
Protein change: p.Ala1042Thr; replaces alanine 1042 with threonine.
Molecular consequence: missense variant.
Genome position (GRCh38, 1-based): chr4:78,374,224, G>A. VCF-style: chr4-78374224-G-A. GRCh37 (hg19) VCF-style: chr4-79295378-G-A.
Other names: p.Ala1042Thr; c.3124G>A, p.Ala1042Thr (NM_001166133.2); short protein forms A1042T.
Identifiers: ClinVar variation 349703 (VCV000349703.23), dbSNP rs114077522, ClinGen allele CA2976831.

ClinVar aggregate classification (germline): Benign/Likely benign. Review status: criteria provided, multiple submitters, no conflicts (2 of 4 stars). 8 submissions from 8 submitters: Benign (5); Likely benign (1). 2 of the submissions do not count toward it. Last evaluated 2026-02-04.

Conditions:
Fraser syndrome 1 (FRASRS1). Also called: CRYPTOPHTHALMOS WITH OTHER MALFORMATIONS. Identifiers: Orphanet 2052, MedGen C4551480, MONDO:0054737, OMIM 219000.

Allele frequency attached by ClinVar (database versions not stated): 1000 Genomes Project 0.01058; 1000 Genomes Project 30x 0.01062; ESP Exome Variant Server 0.01793; gnomAD exomes 0.01817 and 0.02023; TOPMed 0.01851; gnomAD 0.01854 and 0.01873; ExAC 0.01860.
gnomAD v4.1: 32,223 of 1,600,106 alleles (2%); highest among the groups gnomAD compares: Middle Eastern, 2.8%; 374 homozygotes.

Submissions (8):

Labcorp Genetics (formerly Invitae), Labcorp
Classification: Benign. Last evaluated: 2026-02-04. Review status: criteria provided, single submitter. Criteria: Invitae Variant Classification Sherloc (09022015). Collection method: clinical testing. Allele origin: germline.

CeGaT Center for Human Genetics Tuebingen
Classification: Benign. Last evaluated: 2025-11-01. Review status: criteria provided, single submitter. Criteria: CeGaT Center For Human Genetics Tuebingen Variant Classification Criteria Version 2. Collection method: clinical testing. Allele origin: germline. Affected: yes. Observed: 4 variant alleles.
Comment: FRAS1: BP4, BS1, BS2

Blueprint Genetics
Classification: Likely benign. Last evaluated: 2024-11-26. Review status: criteria provided, single submitter. Criteria: ACMG Guidelines, 2015. Collection method: clinical testing. Allele origin: germline.

Mayo Clinic Laboratories, Mayo Clinic
Classification: Benign. Last evaluated: 2023-02-14. Review status: criteria provided, single submitter. Criteria: ACMG Guidelines, 2015. Collection method: clinical testing. Allele origin: germline. Observed: 8 variant alleles.
Comment: BS1, BS2, BP4

Illumina Laboratory Services, Illumina
Classification: Benign for Fraser syndrome 1. Last evaluated: 2018-01-12. Review status: criteria provided, single submitter. Criteria: ICSL Variant Classification Criteria 13 December 2019. Collection method: clinical testing. Allele origin: germline.
Comment: This variant was observed in the ICSL laboratory as part of a predisposition screen in an ostensibly healthy population. It had not been previously curated by ICSL or reported in the Human Gene Mutation Database (HGMD: prior to June 1st, 2018), and was therefore a candidate for classification through an automated scoring system. Utilizing variant allele frequency, disease prevalence and penetrance estimates, and inheritance mode, an automated score was calculated to assess if this variant is too frequent to cause the disease. Based on the score and internal cut-off values, a variant classified as benign is not then subjected to further curation. The score for this variant resulted in a classification of benign for this disease.

Breakthrough Genomics
Classification: Benign. Review status: criteria provided, single submitter. Criteria: ACMG Guidelines, 2015. Collection method: not provided. Allele origin: germline. Inheritance: Autosomal recessive inheritance. Affected: yes.

Diagnostic Laboratory, Department of Genetics, University Medical Center Groningen
Classification: Benign for Fraser syndrome 1. Review status: no assertion criteria provided. Collection method: clinical testing. Allele origin: germline. Affected: yes. Study: VKGL Data-share Consensus. Not counted in ClinVar's aggregate classification.

Genome Diagnostics Laboratory, University Medical Center Utrecht
Classification: Benign. Review status: no assertion criteria provided. Collection method: clinical testing. Allele origin: germline. Affected: yes. Study: VKGL Data-share Consensus. Not counted in ClinVar's aggregate classification.